The following is an entry in ClinVar:

NM_001083961.2(WDR62):c.2584G>A (p.Gly862Ser)

Gene: WDR62 (WD repeat domain 62; plus strand). Cytogenetic location: 19q13.12.
Variant type: single nucleotide variant.
Coding change: c.2584G>A on transcript NM_001083961.2 (MANE Select); coding-DNA position 2584, G replaced by A.
Protein change: p.Gly862Ser; replaces glycine 862 with serine.
Molecular consequence: missense variant.
Genome position (GRCh38, 1-based): chr19:36,099,462, G>A. VCF-style: chr19-36099462-G-A. GRCh37 (hg19) VCF-style: chr19-36590364-G-A.
Other names: c.2584G>A, p.Gly862Ser (NM_173636.5); short protein forms G862S.
Identifiers: ClinVar variation 437289 (VCV000437289.7), dbSNP rs587784548, ClinGen allele CA9395996.

ClinVar aggregate classification (germline): Likely pathogenic. Review status: criteria provided, multiple submitters, no conflicts (2 of 4 stars). 2 submissions from 2 submitters: Likely pathogenic (2). Last evaluated 2025-05-17.

Conditions:
Microcephaly 2, primary, autosomal recessive, with or without cortical malformations. Also called: MICROCEPHALY 2, PRIMARY, AUTOSOMAL RECESSIVE, WITH CORTICAL MALFORMATIONS; WDR62 Primary Microcephaly. Identifiers: Orphanet 2512, MedGen C1858535, MONDO:0011435, OMIM 604317.

Allele frequency attached by ClinVar (database versions not stated): gnomAD exomes below 0.00001; ExAC 0.00001; gnomAD 0.00001; TOPMed 0.00001.
gnomAD v4.1: 4 of 1,613,778 alleles (0.00025%); highest among the groups gnomAD compares: Non-Finnish European, 0.00034%; no homozygotes.

Submissions (2):

GeneDx
Classification: Likely pathogenic. Last evaluated: 2025-05-17. Review status: criteria provided, single submitter. Criteria: GeneDx Variant Classification Process June 2021. Collection method: clinical testing. Allele origin: germline. Affected: yes.
Comment: Not observed at significant frequency in large population cohorts (gnomAD); In silico analysis supports that this missense variant has a deleterious effect on protein structure/function; This variant is associated with the following publications: (PMID: 33937237, 24842779, 28756000, 33453472)

Genetic Services Laboratory, University of Chicago
Classification: Likely pathogenic for Microcephaly 2, primary, autosomal recessive, with or without cortical malformations. Last evaluated: 2016-04-25. Review status: criteria provided, single submitter. Criteria: ACMG Guidelines, 2015. Collection method: clinical testing. Allele origin: germline. Affected: yes.